The following is an entry in ClinVar:

ClinVar aggregate classification (germline): Uncertain significance. Review status: criteria provided, multiple submitters, no conflicts (2 of 4 stars). 2 submissions from 2 submitters: Uncertain significance (2). Last evaluated 2023-08-30.

Conditions:
Neurofibromatosis, type 1 (NF1). Also called: VON RECKLINGHAUSEN DISEASE; NEUROFIBROMATOSIS, TYPE I, SOMATIC; Peripheral type neurofibromatosis; Neurofibromatosis, type I. Identifiers: Orphanet 636, MedGen C0027831, MONDO:0018975, OMIM 162200. Disease mechanism: loss of function.
Juvenile myelomonocytic leukemia (JMML). Also called: LEUKEMIA, JUVENILE MYELOMONOCYTIC, SOMATIC. Identifiers: Orphanet 86834, MedGen C0349639, MONDO:0011908, OMIM 607785, HP:0012209.

Submissions (2):

Baylor Genetics
Classification: Uncertain significance for Juvenile myelomonocytic leukemia. Last evaluated: 2023-08-30. Review status: criteria provided, single submitter. Criteria: ACMG Guidelines, 2015. Collection method: clinical testing. Allele origin: unknown.

Labcorp Genetics (formerly Invitae), Labcorp
Classification: Uncertain significance for Neurofibromatosis, type 1. Last evaluated: 2021-02-17. Review status: criteria provided, single submitter. Criteria: Invitae Variant Classification Sherloc (09022015). Collection method: clinical testing. Allele origin: germline.
Comment: In summary, the available evidence is currently insufficient to determine the role of this variant in disease. Therefore, it has been classified as a Variant of Uncertain Significance. Algorithms developed to predict the effect of missense changes on protein structure and function (SIFT, PolyPhen-2, Align-GVGD) all suggest that this variant is likely to be tolerated, but these predictions have not been confirmed by published functional studies and their clinical significance is uncertain. This variant has not been reported in the literature in individuals with NF1-related disease. This variant is not present in population databases (ExAC no frequency). This sequence change replaces serine with glycine at codon 1380 of the NF1 protein (p.Ser1380Gly). The serine residue is moderately conserved and there is a small physicochemical difference between serine and glycine.

NM_001042492.3(NF1):c.4201A>G (p.Ser1401Gly)

Gene: NF1 (neurofibromin 1; plus strand). Cytogenetic location: 17q11.2.
Variant type: single nucleotide variant.
Coding change: c.4201A>G on transcript NM_001042492.3 (MANE Select); coding-DNA position 4201, A replaced by G.
Protein change: p.Ser1401Gly; replaces serine 1401 with glycine.
Molecular consequence: missense variant.
Genome position (GRCh38, 1-based): chr17:31,258,371, A>G. VCF-style: chr17-31258371-A-G. GRCh37 (hg19) VCF-style: chr17-29585389-A-G.
Other names: c.4138A>G, p.Ser1380Gly (NM_000267.4); short protein forms S1380G, S1401G.
Identifiers: ClinVar variation 656201 (VCV000656201.8), dbSNP rs1060500310, ClinGen allele CA398997627.